The following is an entry in ClinVar:

NM_015102.5(NPHP4):c.1120-5T>C

Gene: NPHP4 (nephrocystin 4; minus strand). Cytogenetic location: 1p36.31.
Variant type: single nucleotide variant.
Coding change: c.1120-5T>C on transcript NM_015102.5 (MANE Select); 5 bases into the intron before coding-DNA position 1120, T replaced by C.
Molecular consequence: intron variant.
Genome position (GRCh38, 1-based): chr1:5,933,334, A>G on the plus strand (T>C on the coding strand, the complement: NPHP4 is on the minus strand). VCF-style: chr1-5933334-A-G. GRCh37 (hg19) VCF-style: chr1-5993394-A-G.
Other names: c.-247-5T>C (NM_001291594.2, NM_001291593.2).
Identifiers: ClinVar variation 3029794 (VCV003029794.2), dbSNP rs1324796512, ClinGen allele CA998137472.

ClinVar aggregate classification (germline): Likely benign (0 of 4 stars; one submission).

Conditions:
NPHP4-related disorder. Also called: NPHP4-related condition; NPHP4-related disorders. Identifiers: MedGen CN239384.

Allele frequency attached by ClinVar (database versions not stated): gnomAD 0.00001.
gnomAD v4.1: 1 of 1,610,868 alleles (0.000062%); highest among the groups gnomAD compares: Non-Finnish European, 0.000085%; no homozygotes.

Submission:

PreventionGenetics, part of Exact Sciences
Classification: Likely benign for NPHP4-related condition. Last evaluated: 2021-07-16. Review status: no assertion criteria provided. Collection method: clinical testing. Allele origin: germline.
Comment: This variant is classified as likely benign based on ACMG/AMP sequence variant interpretation guidelines (Richards et al. 2015 PMID: 25741868, with internal and published modifications).